The following is an entry in ClinVar:

NM_133433.4(NIPBL):c.1729C>T (p.Pro577Ser)

Gene: NIPBL (NIPBL cohesin loading factor; plus strand). Cytogenetic location: 5p13.2.
Variant type: single nucleotide variant.
Coding change: c.1729C>T on transcript NM_133433.4 (MANE Select); coding-DNA position 1729, C replaced by T.
Protein change: p.Pro577Ser; replaces proline 577 with serine.
Molecular consequence: missense variant.
Genome position (GRCh38, 1-based): chr5:36,984,909, C>T. VCF-style: chr5-36984909-C-T. GRCh37 (hg19) VCF-style: chr5-36985011-C-T.
Other names: c.1729C>T, p.Pro577Ser (NM_015384.5); short protein forms P577S.
Identifiers: ClinVar variation 3371169 (VCV003371169.1).

ClinVar aggregate classification (germline): Uncertain significance (1 of 4 stars; one submission).

gnomAD v4.1: 3 of 1,613,656 alleles (0.00019%); highest among the groups gnomAD compares: South Asian, 0.0011%; no homozygotes.

Submission:

GeneDx
Classification: Uncertain significance. Last evaluated: 2024-03-18. Review status: criteria provided, single submitter. Criteria: GeneDx Variant Classification Process June 2021. Collection method: clinical testing. Allele origin: germline. Affected: yes.
Comment: Not observed at significant frequency in large population cohorts (gnomAD); In silico analysis supports that this missense variant does not alter protein structure/function; In silico analysis suggests this variant may impact gene splicing. In the absence of RNA/functional studies, the actual effect of this sequence change is unknown.; Has not been previously published as pathogenic or benign to our knowledge